The following is an entry in ClinVar:

NM_004990.4(MARS1):c.960C>A (p.Thr320=)

Gene: MARS1 (methionyl-tRNA synthetase 1; plus strand). Cytogenetic location: 12q13.3.
Variant type: single nucleotide variant.
Coding change: c.960C>A on transcript NM_004990.4 (MANE Select); coding-DNA position 960, C replaced by A.
Protein change: p.Thr320=; no amino-acid change (threonine 320 retained).
Molecular consequence: synonymous variant.
Genome position (GRCh38, 1-based): chr12:57,498,492, C>A. VCF-style: chr12-57498492-C-A. GRCh37 (hg19) VCF-style: chr12-57892275-C-A.
Other names: c.960C>A (NM_004990.3).
Identifiers: ClinVar variation 2938225 (VCV002938225.5), dbSNP rs976087211, ClinGen allele CA237757188.

ClinVar aggregate classification (germline): Likely benign. Review status: criteria provided, single submitter (1 of 4 stars). 2 submissions from 2 submitters: Likely benign (1). 1 of the submissions does not count toward it. Last evaluated 2022-11-11.

Conditions:
Severe early-onset pulmonary alveolar proteinosis due to MARS deficiency. Also called: PULMONARY ALVEOLAR PROTEINOSIS, REUNION ISLAND; Interstitial lung and liver disease. Identifiers: Orphanet 440427, MedGen C4225400, MONDO:0014206, OMIM 615486.
Charcot-Marie-Tooth disease axonal type 2U. Also called: CHARCOT-MARIE-TOOTH NEUROPATHY, TYPE 2U; CHARCOT-MARIE-TOOTH DISEASE, AXONAL, AUTOSOMAL DOMINANT, TYPE 2U. Identifiers: Orphanet 397735, MedGen C4084821, MONDO:0014566, OMIM 616280.
MARS1-related disorder. Also called: MARS1-related condition.

Allele frequency attached by ClinVar (database versions not stated): gnomAD exomes below 0.00001; gnomAD 0.00001; TOPMed 0.00001.
gnomAD v4.1: 3 of 1,614,050 alleles (0.00019%); highest among the groups gnomAD compares: African/African-American, 0.0027%; no homozygotes.

Submissions (2):

Labcorp Genetics (formerly Invitae), Labcorp
Classification: Likely benign for Charcot-Marie-Tooth disease axonal type 2U; Severe early-onset pulmonary alveolar proteinosis due to MARS deficiency. Last evaluated: 2022-11-11. Review status: criteria provided, single submitter. Criteria: Invitae Variant Classification Sherloc (09022015). Collection method: clinical testing. Allele origin: germline.

PreventionGenetics, part of Exact Sciences
Classification: Likely benign for MARS1-related condition. Last evaluated: 2022-06-17. Review status: no assertion criteria provided. Collection method: clinical testing. Allele origin: germline. Not counted in ClinVar's aggregate classification.
Comment: This variant is classified as likely benign based on ACMG/AMP sequence variant interpretation guidelines (Richards et al. 2015 PMID: 25741868, with internal and published modifications).